The following is an entry in ClinVar:

ClinVar aggregate classification (germline): Uncertain significance. Review status: criteria provided, multiple submitters, no conflicts (2 of 4 stars). 4 submissions from 4 submitters: Uncertain significance (4). Last evaluated 2025-10-21.

Conditions:
Myofibrillar myopathy 5. Also called: Filaminopathy (type); FILAMINOPATHY, AUTOSOMAL DOMINANT. Identifiers: Orphanet 171445, MedGen C1836050, MONDO:0012289, OMIM 609524.
Distal myopathy with posterior leg and anterior hand involvement. Also called: WILLIAMS DISTAL MYOPATHY. Identifiers: Orphanet 63273, MedGen C3279722, MONDO:0013550, OMIM 614065.
Hypertrophic cardiomyopathy 26. Also called: Cardiomyopathy, familial hypertrophic, 26. Identifiers: Orphanet 75249, MedGen C4310749, MONDO:0014883, OMIM 617047.
Dilated Cardiomyopathy, Dominant.
Cardiovascular phenotype. Identifiers: MedGen CN230736.

Allele frequency attached by ClinVar (database versions not stated): gnomAD exomes below 0.00001; ExAC 0.00001.

Submissions (4):

Ambry Genetics
Classification: Uncertain significance for Cardiovascular phenotype. Last evaluated: 2025-10-21. Review status: criteria provided, single submitter. Criteria: Ambry Variant Classification Scheme 2023. Collection method: clinical testing. Allele origin: germline.

Labcorp Genetics (formerly Invitae), Labcorp
Classification: Uncertain significance for Distal myopathy with posterior leg and anterior hand involvement; Myofibrillar myopathy 5; Hypertrophic cardiomyopathy 26. Last evaluated: 2024-10-03. Review status: criteria provided, single submitter. Criteria: Invitae Variant Classification Sherloc (09022015). Collection method: clinical testing. Allele origin: germline.
Comment: This sequence change replaces threonine, which is neutral and polar, with isoleucine, which is neutral and non-polar, at codon 1281 of the FLNC protein (p.Thr1281Ile). This variant is present in population databases (rs776862347, gnomAD 0.0009%). This variant has not been reported in the literature in individuals affected with FLNC-related conditions. ClinVar contains an entry for this variant (Variation ID: 1207565). Invitae Evidence Modeling of protein sequence and biophysical properties (such as structural, functional, and spatial information, amino acid conservation, physicochemical variation, residue mobility, and thermodynamic stability) has been performed for this missense variant. However, the output from this modeling did not meet the statistical confidence thresholds required to predict the impact of this variant on FLNC protein function. In summary, the available evidence is currently insufficient to determine the role of this variant in disease. Therefore, it has been classified as a Variant of Uncertain Significance.

GeneDx
Classification: Uncertain significance. Last evaluated: 2022-01-28. Review status: criteria provided, single submitter. Criteria: GeneDx Variant Classification Process June 2021. Collection method: clinical testing. Allele origin: germline. Affected: yes.
Comment: Has not been previously published as pathogenic or benign to our knowledge; Not observed at significant frequency in large population cohorts (gnomAD); In silico analysis supports that this missense variant has a deleterious effect on protein structure/function

Revvity Omics, Revvity
Classification: Uncertain significance. Last evaluated: 2020-10-06. Review status: criteria provided, single submitter. Criteria: ACMG Guidelines, 2015. Collection method: clinical testing. Allele origin: germline.

NM_001458.5(FLNC):c.3842C>T (p.Thr1281Ile)

Gene: FLNC (filamin C; plus strand). Cytogenetic location: 7q32.1.
Variant type: single nucleotide variant.
Coding change: c.3842C>T on transcript NM_001458.5 (MANE Select); coding-DNA position 3842, C replaced by T.
Protein change: p.Thr1281Ile; replaces threonine 1281 with isoleucine.
Molecular consequence: missense variant.
Genome position (GRCh38, 1-based): chr7:128,846,041, C>T. VCF-style: chr7-128846041-C-T. GRCh37 (hg19) VCF-style: chr7-128486095-C-T.
Other names: c.3842C>T, p.Thr1281Ile (NM_001127487.2); short protein forms T1281I.
Identifiers: ClinVar variation 1207565 (VCV001207565.13), dbSNP rs776862347, ClinGen allele CA4475153.
Genomic context (GRCh38, chr7:128,846,041, plus strand): 5'-GGGCTCCAGGTGTCCTGCGGGAGGTGACCACTGAGTTCACTGTGGATGCAAGATCCCTAA[C>T]AGCCACAGGCGGCAACCACGTGACGGCTCGTGTGCTCAACCCCTCGGGGGCCAAGACAGA-3'
Protein context (NP_001449.3, residues 1271-1291): TEFTVDARSL[Thr1281Ile]ATGGNHVTAR